The following is an entry in ClinVar:

ClinVar aggregate classification (germline): Uncertain significance (1 of 4 stars; one submission).

Allele frequency attached by ClinVar (database versions not stated): gnomAD exomes below 0.00001; ExAC 0.00001.

Submission:

Labcorp Genetics (formerly Invitae), Labcorp
Classification: Uncertain significance. Last evaluated: 2021-03-17. Review status: criteria provided, single submitter. Criteria: Invitae Variant Classification Sherloc (09022015). Collection method: clinical testing. Allele origin: germline.
Comment: In summary, the available evidence is currently insufficient to determine the role of this variant in disease. Therefore, it has been classified as a Variant of Uncertain Significance. Algorithms developed to predict the effect of missense changes on protein structure and function output the following: SIFT: "Tolerated"; PolyPhen-2: "Benign"; Align-GVGD: "Class C0". The glutamine amino acid residue is found in multiple mammalian species, suggesting that this missense change does not adversely affect protein function. These predictions have not been confirmed by published functional studies and their clinical significance is uncertain. This variant has not been reported in the literature in individuals with CUL7-related conditions. This variant is present in population databases (rs777268366, ExAC 0.009%). This sequence change replaces arginine with glutamine at codon 550 of the CUL7 protein (p.Arg550Gln). The arginine residue is weakly conserved and there is a small physicochemical difference between arginine and glutamine.

NM_014780.5(CUL7):c.1649G>A (p.Arg550Gln)

Gene: CUL7 (cullin 7; minus strand). Cytogenetic location: 6p21.1.
Variant type: single nucleotide variant.
Coding change: c.1649G>A on transcript NM_014780.5 (MANE Select); coding-DNA position 1649, G replaced by A.
Protein change: p.Arg550Gln; replaces arginine 550 with glutamine.
Molecular consequence: missense variant.
Genome position (GRCh38, 1-based): chr6:43,049,583, C>T on the plus strand (G>A on the coding strand, the complement: CUL7 is on the minus strand). VCF-style: chr6-43049583-C-T. GRCh37 (hg19) VCF-style: chr6-43017321-C-T.
Other names: c.1745G>A, p.Arg582Gln (NM_001168370.2, NM_001374872.1); c.1649G>A, p.Arg550Gln (NM_001374873.1, NM_001374874.1); short protein forms R582Q, R550Q.
Identifiers: ClinVar variation 1399475 (VCV001399475.8), dbSNP rs777268366, ClinGen allele CA3814096.